The following is an entry in ClinVar:

ClinVar aggregate classification (germline): Conflicting classifications of pathogenicity. Review status: criteria provided, conflicting classifications (1 of 4 stars). 4 submissions from 4 submitters: Uncertain significance (1); Likely benign (3). Last evaluated 2026-03-01.

Conditions:
Blau syndrome (BLAUS). Also called: ARTHROCUTANEOUVEAL GRANULOMATOSIS; GRANULOMATOSIS, FAMILIAL JUVENILE SYSTEMIC; GRANULOMATOSIS, FAMILIAL, BLAU TYPE; GRANULOMATOUS INFLAMMATORY ARTHRITIS, DERMATITIS, AND UVEITIS, FAMILIAL; JABS SYNDROME. Identifiers: Orphanet 90340, MedGen C5201146, MONDO:0008523, OMIM 186580.
Regional enteritis. Also called: Enteritis, Granulomatous. Identifiers: MedGen C0678202, MeSH D003424.

Allele frequency attached by ClinVar (database versions not stated): gnomAD exomes 0.00005 and 0.00014; ExAC 0.00012; gnomAD 0.00030 and 0.00032; 1000 Genomes Project 30x 0.00031; TOPMed 0.00037; ESP Exome Variant Server 0.00038; 1000 Genomes Project 0.00040.
gnomAD v4.1: 121 of 1,614,184 alleles (0.0075%); highest among the groups gnomAD compares: African/African-American, 0.084%; no homozygotes.

Submissions (4):

CeGaT Center for Human Genetics Tuebingen
Classification: Likely benign. Last evaluated: 2026-03-01. Review status: criteria provided, single submitter. Criteria: CeGaT Center For Human Genetics Tuebingen Variant Classification Criteria Version 2. Collection method: clinical testing. Allele origin: germline. Affected: yes. Observed: 1 variant allele.
Comment: NOD2: BP4

Women's Health and Genetics/Laboratory Corporation of America, LabCorp
Classification: Likely benign. Last evaluated: 2026-02-03. Review status: criteria provided, single submitter. Criteria: LabCorp Variant Classification Summary - May 2015. Collection method: clinical testing. Allele origin: germline.
Comment: Variant summary: NOD2 c.1177C>T (p.Arg393Cys) results in a non-conservative amino acid change in the encoded protein sequence. Algorithms developed to predict the effect of missense changes on protein structure and function are either unavailable or do not agree on the potential impact of this missense change. The variant allele was found at a frequency of 0.00014 in 251442 control chromosomes. The observed variant frequency exceeds the estimated maximal expected allele frequency for disease-causing variants in NOD2. c.1177C>T has been observed in individual(s) affected with Crohn's disease and autoinflammatory disorder(s) (example, Chen_2018, Rama_2021) without strong evidence for causality. These report(s) do not provide unequivocal conclusions about association of the variant with Blau syndrome. To our knowledge, no experimental evidence demonstrating an impact on protein function has been reported. The following publications have been ascertained in the context of this evaluation (PMID: 29178652, 15044951, 30166421, 32909274, 38741190). ClinVar contains an entry for this variant (Variation ID: 853895). Based on the evidence outlined above, the variant was classified as likely benign.

Labcorp Genetics (formerly Invitae), Labcorp
Classification: Likely benign for Regional enteritis; Blau syndrome. Last evaluated: 2026-01-18. Review status: criteria provided, single submitter. Criteria: Invitae Variant Classification Sherloc (09022015). Collection method: clinical testing. Allele origin: germline.

ARUP Laboratories, Molecular Genetics and Genomics, ARUP Laboratories
Classification: Uncertain significance. Last evaluated: 2025-06-26. Review status: criteria provided, single submitter. Criteria: ARUP Molecular Germline Variant Investigation Process 2024. Collection method: clinical testing. Allele origin: germline.
Comment: The NOD2 c.1177C>T; p.Arg393Cys variant (rs140716236, ClinVar Variation ID: 853895) has not been reported in the literature in association with Blau syndrome, but has been shown to be enriched in a cohort of patients with a diagnosis of Crohnâ€™s Disease (Chen 2018). This variant is found in the African/African-American population with an allele frequency of 0.068% (17/ 24958 alleles) in the Genome Aggregation Database (v2.1.1). Computational analyses are uncertain whether this variant is neutral or deleterious (REVEL: 0.311). Due to limited information, the clinical significance of this variant is uncertain at this time. References: Chen JS et al. Targeted Gene Sequencing in Children with Crohn's Disease and Their Parents: Implications for Missing Heritability. G3 (Bethesda). 2018 Aug 30;8(9):2881-2888. PMID: 30166421

Literature cited by the submitters: PubMed 32909274 (cited by Women's Health and Genetics/Laboratory Corporation of America, LabCorp); PubMed 29178652 (cited by Women's Health and Genetics/Laboratory Corporation of America, LabCorp); PubMed 15044951 (cited by Women's Health and Genetics/Laboratory Corporation of America, LabCorp); PubMed 38741190 (cited by Women's Health and Genetics/Laboratory Corporation of America, LabCorp); PubMed 30166421 (cited by Women's Health and Genetics/Laboratory Corporation of America, LabCorp).

NM_001370466.1(NOD2):c.1096C>T (p.Arg366Cys)

Gene: NOD2 (nucleotide binding oligomerization domain containing 2; plus strand). Cytogenetic location: 16q12.1.
Variant type: single nucleotide variant.
Coding change: c.1096C>T on transcript NM_001370466.1 (MANE Select); coding-DNA position 1096, C replaced by T.
Protein change: p.Arg366Cys; replaces arginine 366 with cysteine.
Molecular consequence: missense variant. On other transcripts: non-coding transcript variant (1).
Genome position (GRCh38, 1-based): chr16:50,711,088, C>T. VCF-style: chr16-50711088-C-T. GRCh37 (hg19) VCF-style: chr16-50744999-C-T.
Other names: c.1096C>T, p.Arg366Cys (NM_001293557.2); c.1177C>T, p.Arg393Cys (NM_022162.3); short protein forms R393C, R366C.
Identifiers: ClinVar variation 853895 (VCV000853895.14), dbSNP rs140716236, ClinGen allele CA8051484.